The following is an entry in ClinVar:

ClinVar aggregate classification (germline): Uncertain significance (1 of 4 stars; one submission).

gnomAD v4.1: 4 of 1,367,740 alleles (0.00029%); highest among the groups gnomAD compares: African/African-American, 0.0015%; no homozygotes.

Submission:

Labcorp Genetics (formerly Invitae), Labcorp
Classification: Uncertain significance. Last evaluated: 2026-02-04. Review status: criteria provided, single submitter. Criteria: Invitae Variant Classification Sherloc (09022015). Collection method: clinical testing. Allele origin: germline.
Comment: This sequence change replaces proline, which is neutral and non-polar, with arginine, which is basic and polar, at codon 190 of the IRF2BP2 protein (p.Pro190Arg). This variant is not present in population databases (gnomAD no frequency). This variant has not been reported in the literature in individuals affected with IRF2BP2-related conditions. An algorithm developed to predict the effect of missense changes on protein structure and function (PolyPhen-2) suggests that this variant is likely to be disruptive. In summary, the available evidence is currently insufficient to determine the role of this variant in disease. Therefore, it has been classified as a Variant of Uncertain Significance.

NM_182972.3(IRF2BP2):c.569C>G (p.Pro190Arg)

Gene: IRF2BP2 (interferon regulatory factor 2 binding protein 2; minus strand). Cytogenetic location: 1q42.3.
Variant type: single nucleotide variant.
Coding change: c.569C>G on transcript NM_182972.3 (MANE Select); coding-DNA position 569, C replaced by G.
Protein change: p.Pro190Arg; replaces proline 190 with arginine.
Molecular consequence: missense variant.
Genome position (GRCh38, 1-based): chr1:234,608,926, G>C on the plus strand (C>G on the coding strand, the complement: IRF2BP2 is on the minus strand). VCF-style: chr1-234608926-G-C. GRCh37 (hg19) VCF-style: chr1-234744672-G-C.
Other names: c.569C>G, p.Pro190Arg (NM_001077397.1); short protein forms P190R.
Identifiers: ClinVar variation 4764197 (VCV004764197.1).